The following is an entry in ClinVar:

ClinVar aggregate classification (germline): Uncertain significance (1 of 4 stars; one submission).

gnomAD v4.1: 1,364 of 1,613,240 alleles (0.085%); highest among the groups gnomAD compares: Admixed American, 0.12%; 2 homozygotes.

Submission:

GeneDx
Classification: Uncertain significance. Last evaluated: 2024-07-29. Review status: criteria provided, single submitter. Criteria: GeneDx Variant Classification Process June 2021. Collection method: clinical testing. Allele origin: germline. Affected: yes.
Comment: In silico analysis indicates that this missense variant does not alter protein structure/function; Has not been previously published as pathogenic or benign to our knowledge

NM_002016.2(FLG):c.10114G>A (p.Ala3372Thr)

Genes: CCDST (cervical cancer associated DHX9 suppressive transcript; plus strand), FLG (filaggrin; minus strand). Cytogenetic location: 1q21.3.
Variant type: single nucleotide variant.
Coding change: c.10114G>A on transcript NM_002016.2 (MANE Select); coding-DNA position 10114, G replaced by A.
Protein change: p.Ala3372Thr; replaces alanine 3372 with threonine.
Molecular consequence: missense variant.
Genome position (GRCh38, 1-based): chr1:152,304,772, C>T on the plus strand (G>A on the coding strand, the complement: FLG is on the minus strand). VCF-style: chr1-152304772-C-T. GRCh37 (hg19) VCF-style: chr1-152277248-C-T.
Other names: short protein forms A3372T.
Identifiers: ClinVar variation 3602189 (VCV003602189.1).
Genomic context (GRCh38, chr1:152,304,772, plus strand): 5'-TGCTCACCTGGTAGAGGAAAGACCCTGAACGTCCAGACCTTCCCCCTGACCGGTCACGTG[C>T]GGACTCTTGGTGGCTCTGCTGATGGGGCCCAGCCTGTCCATGGCCTGACACTGACTGTGT-3'
Protein context (NP_002007.1, residues 3362-3382): GPHQQSHQES[Ala3372Thr]RDRSGGRSGR